The following is an entry in ClinVar:

ClinVar aggregate classification (germline): Benign. Review status: criteria provided, multiple submitters, no conflicts (2 of 4 stars). 3 submissions from 3 submitters: Benign (3). Last evaluated 2026-09-21.

Allele frequency attached by ClinVar (database versions not stated): 1000 Genomes Project 30x 0.66084; 1000 Genomes Project 0.66454; gnomAD 0.70295 and 0.70636; ExAC 0.75993; gnomAD exomes 0.79872 and 0.75582; TOPMed 0.69608; ESP Exome Variant Server 0.71899.
gnomAD v4.1: 1,044,695 of 1,326,822 alleles (79%); highest among the groups gnomAD compares: Non-Finnish European, 82%; 416,457 homozygotes.

Submissions (3):

Molecular Diagnostic Laboratory for Inherited Cardiovascular Disease, Montreal Heart Institute
Classification: Benign. Last evaluated: 2026-09-21. Review status: criteria provided, single submitter. Criteria: ACMG Guidelines, 2015. Collection method: clinical testing. Allele origin: germline. Affected: no.
Comment: BA1

GeneDx
Classification: Benign. Last evaluated: 2018-06-14. Review status: criteria provided, single submitter. Criteria: GeneDx Variant Classification (06012015). Collection method: clinical testing. Allele origin: germline. Affected: yes.
Comment: This variant is considered likely benign or benign based on one or more of the following criteria: it is a conservative change, it occurs at a poorly conserved position in the protein, it is predicted to be benign by multiple in silico algorithms, and/or has population frequency not consistent with disease.

Breakthrough Genomics
Classification: Benign. Review status: criteria provided, single submitter. Criteria: ACMG Guidelines, 2015. Collection method: not provided. Allele origin: germline. Inheritance: Autosomal dominant inheritance. Affected: yes.

NM_144573.4(NEXN):c.1251+43C>G

Gene: NEXN (nexilin F-actin binding protein; plus strand). Cytogenetic location: 1p31.1.
Variant type: single nucleotide variant.
Coding change: c.1251+43C>G on transcript NM_144573.4 (MANE Select); 43 bases into the intron after coding-DNA position 1251, C replaced by G.
Molecular consequence: intron variant.
Genome position (GRCh38, 1-based): chr1:77,933,522, C>G. VCF-style: chr1-77933522-C-G. GRCh37 (hg19) VCF-style: chr1-78399207-C-G.
Other names: c.1059+43C>G (NM_001172309.2).
Identifiers: ClinVar variation 671177 (VCV000671177.3), dbSNP rs4483454, ClinGen allele CA918834.
Genomic context (GRCh38, chr1:77,933,522, plus strand): 5'-AGACAGGAAATGGGAGAGGTAAGATTTTAAGAAATATCTATATTCCCCATATTTATTAAG[C>G]TAAATATTTTACTTATATCACCTTATAATAACTTTGTATTATTATTCACCTTTAGGATAG-3'